The following is an entry in ClinVar:

NM_001110556.2(FLNA):c.2280+1G>T

Gene: FLNA (filamin A; minus strand). Cytogenetic location: Xq28.
Variant type: single nucleotide variant.
Coding change: c.2280+1G>T on transcript NM_001110556.2 (MANE Select); the canonical splice donor site of the intron after coding-DNA position 2280, G replaced by T.
Molecular consequence: splice donor variant.
Genome position (GRCh38, 1-based): chrX:154,364,021, C>A on the plus strand (G>T on the coding strand, the complement: FLNA is on the minus strand). VCF-style: chrX-154364021-C-A. GRCh37 (hg19) VCF-style: chrX-153592389-C-A.
Other names: NC_000023.10:g.153592389C>A; c.2280+1G>T (NM_001456.4, NM_001110556.1).
Identifiers: ClinVar variation 4478591 (VCV004478591.2).

ClinVar aggregate classification (germline): Likely pathogenic (1 of 4 stars; one submission).

Conditions:
FLNA-related disorder.

Submissions (2):

PreventionGenetics, part of Exact Sciences
Classification: Likely pathogenic for FLNA-related condition. Last evaluated: 2024-11-02. Review status: criteria provided, single submitter. Criteria: ACMG Guidelines, 2015. Collection method: clinical testing. Allele origin: germline.
Comment: The FLNA c.2280+1G>T variant is predicted to disrupt the GT donor site and interfere with normal splicing. To our knowledge, this variant has not been reported in the literature or in a large population database (gnomAD), indicating this variant is rare. Variants that disrupt the consensus splice acceptor site in FLNA are expected to be pathogenic. This variant is interpreted as likely pathogenic.

Dr. Peter K. Rogan Lab, Western University
No classification provided (evidence only). Condition: Familial cancer of breast. Review status: no classification provided. Collection method: in vitro. Allele origin: not applicable. Functional consequence: retained intron. Not counted in ClinVar's aggregate classification.